The following is an entry in ClinVar:

NM_002691.4(POLD1):c.2821-11T>C

Gene: POLD1 (DNA polymerase delta 1, catalytic subunit; plus strand). Cytogenetic location: 19q13.33.
Variant type: single nucleotide variant.
Coding change: c.2821-11T>C on transcript NM_002691.4 (MANE Select); 11 bases into the intron before coding-DNA position 2821, T replaced by C.
Molecular consequence: intron variant.
Genome position (GRCh38, 1-based): chr19:50,416,385, T>C. VCF-style: chr19-50416385-T-C. GRCh37 (hg19) VCF-style: chr19-50919642-T-C.
Other names: c.2899-11T>C (LRG_785t2, NM_001308632.1); c.2821-11T>C (NM_001256849.1, LRG_785t1).
Identifiers: ClinVar variation 381930 (VCV000381930.9), dbSNP rs573263198, ClinGen allele CA9596672.

ClinVar aggregate classification (germline): Likely benign. Review status: criteria provided, multiple submitters, no conflicts (2 of 4 stars). 3 submissions from 3 submitters: Likely benign (3). Last evaluated 2026-01-20.

Conditions:
POLD1-related polyposis and colorectal cancer syndrome (CRCS10). Also called: Colorectal cancer, susceptibility to, 10; Colorectal cancer 10; COLORECTAL CANCER, SUSCEPTIBILITY TO, ON CHROMOSOME 19q. Identifiers: Orphanet 220460, MedGen C2675481, MONDO:0012953, OMIM 612591.

Allele frequency attached by ClinVar (database versions not stated): gnomAD exomes 0.00001 and 0.00003; ExAC 0.00006; gnomAD 0.00006 and 0.00007; TOPMed 0.00009; 1000 Genomes Project 30x 0.00031; 1000 Genomes Project 0.00040.
gnomAD v4.1: 25 of 1,548,350 alleles (0.0016%); highest among the groups gnomAD compares: African/African-American, 0.022%; no homozygotes.

Submissions (3):

Labcorp Genetics (formerly Invitae), Labcorp
Classification: Likely benign for POLD1-related polyposis and colorectal cancer syndrome. Last evaluated: 2026-01-20. Review status: criteria provided, single submitter. Criteria: Invitae Variant Classification Sherloc (09022015). Collection method: clinical testing. Allele origin: germline.

KCCC/NGS Laboratory, Kuwait Cancer Control Center
Classification: Likely benign for POLD1-related polyposis and colorectal cancer syndrome. Last evaluated: 2023-07-07. Review status: criteria provided, single submitter. Criteria: ACMG Guidelines, 2015. Collection method: clinical testing. Allele origin: germline. Affected: yes.

GeneDx
Classification: Likely benign. Last evaluated: 2017-08-29. Review status: criteria provided, single submitter. Criteria: GeneDx Variant Classification (06012015). Collection method: clinical testing. Allele origin: germline. Affected: yes.
Comment: This variant is considered likely benign or benign based on one or more of the following criteria: it is a conservative change, it occurs at a poorly conserved position in the protein, it is predicted to be benign by multiple in silico algorithms, and/or has population frequency not consistent with disease.